The following is an entry in ClinVar:

NM_004304.5(ALK):c.953-14_964dup

Gene: ALK (ALK receptor tyrosine kinase; minus strand). Cytogenetic location: 2p23.2.
Variant type: Duplication.
Coding change: c.953-14_964dup on transcript NM_004304.5 (MANE Select); 14 bases into the intron before coding-DNA position 953 through coding-DNA position 964, 26 bases duplicated (CTGTCTCTTTCCAGGCTCCTTTCTCC).
Molecular consequence: splice acceptor variant.
Genome position (GRCh38, 1-based): chr2:29,532,105-29,532,130, GGAGAAAGGAGCCTGGAAAGAGACAG duplicated on the plus strand (CTGTCTCTTTCCAGGCTCCTTTCTCC on the coding strand, the reverse complement: ALK is on the minus strand); duplicating any 26 consecutive bases within chr2:29,532,105-29,532,133 gives the same sequence; the c. name uses the placement nearest the transcript's 3' end. VCF-style (leftmost placement, unchanged base first): chr2-29532104-A-AGGAGAAAGGAGCCTGGAAAGAGACAG. GRCh37 (hg19) VCF-style: chr2-29754970-A-AGGAGAAAGGAGCCTGGAAAGAGACAG.
Identifiers: ClinVar variation 3662732 (VCV003662732.2).

ClinVar aggregate classification (germline): Uncertain significance (1 of 4 stars; one submission).

Conditions:
Neuroblastoma, susceptibility to, 3. Also called: ALK-Related Neuroblastic Tumor Susceptibility. Identifiers: Orphanet 635, MedGen C2751681, MONDO:0013083, OMIM 613014.

Submission:

Labcorp Genetics (formerly Invitae), Labcorp
Classification: Uncertain significance for Neuroblastoma, susceptibility to, 3. Last evaluated: 2024-08-31. Review status: criteria provided, single submitter. Criteria: Invitae Variant Classification Sherloc (09022015). Collection method: clinical testing. Allele origin: germline.
Comment: This sequence change falls in intron 3 of the ALK gene. It does not directly change the encoded amino acid sequence of the ALK protein. This variant is not present in population databases (gnomAD no frequency). This variant has not been reported in the literature in individuals affected with ALK-related conditions. This variant is also known as p.Leu322Profs*22. Experimental studies and prediction algorithms are not available or were not evaluated, and the effect of this variant on mRNA splicing is currently unknown. In summary, the available evidence is currently insufficient to determine the role of this variant in disease. Therefore, it has been classified as a Variant of Uncertain Significance.